The following is an entry in ClinVar:

NM_001278293.3(ARL6):c.30G>C (p.Leu10Phe)

Gene: ARL6 (ARF like GTPase 6; plus strand). Cytogenetic location: 3q11.2.
Variant type: single nucleotide variant.
Coding change: c.30G>C on transcript NM_001278293.3 (MANE Select); coding-DNA position 30, G replaced by C.
Protein change: p.Leu10Phe; replaces leucine 10 with phenylalanine.
Molecular consequence: missense variant. On other transcripts: non-coding transcript variant (7).
Genome position (GRCh38, 1-based): chr3:97,768,137, G>C. VCF-style: chr3-97768137-G-C. GRCh37 (hg19) VCF-style: chr3-97486981-G-C.
Other names: c.30G>C, p.Leu10Phe (NM_001323513.2, NM_001323514.2, NM_032146.5 and 1 more transcripts); short protein forms L10F.
Identifiers: ClinVar variation 1406511 (VCV001406511.7), dbSNP rs963216166, ClinGen allele CA79490694.

ClinVar aggregate classification (germline): Uncertain significance. Review status: criteria provided, multiple submitters, no conflicts (2 of 4 stars). 2 submissions from 2 submitters: Uncertain significance (2). Last evaluated 2026-05-27.

Conditions:
ARL6-related disorder. Also called: ARL6-related condition.
Retinitis pigmentosa 55 (RP55). Identifiers: Orphanet 791, MedGen C3150808, MONDO:0013312, OMIM 613575.
Bardet-Biedl syndrome 3 (BBS3). Identifiers: Orphanet 110, MedGen C1859564, MONDO:0010832, OMIM 600151.

Allele frequency attached by ClinVar (database versions not stated): TOPMed below 0.00001.

Submissions (2):

PreventionGenetics, part of Exact Sciences
Classification: Uncertain significance for ARL6-related condition. Last evaluated: 2026-05-27. Review status: criteria provided, single submitter. Criteria: ACMG Guidelines, 2015. Collection method: clinical testing. Allele origin: germline.
Comment: The ARL6 c.30G>C variant is predicted to result in the amino acid substitution p.Leu10Phe. To our knowledge, this variant has not been reported in the literature or in a large population database (gnomAD), indicating this variant is rare. At this time, the clinical significance of this variant is uncertain due to the absence of conclusive functional and genetic evidence.

Labcorp Genetics (formerly Invitae), Labcorp
Classification: Uncertain significance for Retinitis pigmentosa 55; Bardet-Biedl syndrome 3. Last evaluated: 2022-07-19. Review status: criteria provided, single submitter. Criteria: Invitae Variant Classification Sherloc (09022015). Collection method: clinical testing. Allele origin: germline.
Comment: In summary, the available evidence is currently insufficient to determine the role of this variant in disease. Therefore, it has been classified as a Variant of Uncertain Significance. Algorithms developed to predict the effect of missense changes on protein structure and function output the following: SIFT: "Tolerated"; PolyPhen-2: "Benign"; Align-GVGD: "Class C0". The phenylalanine amino acid residue is found in multiple mammalian species, which suggests that this missense change does not adversely affect protein function. ClinVar contains an entry for this variant (Variation ID: 1406511). This variant has not been reported in the literature in individuals affected with ARL6-related conditions. This variant is not present in population databases (gnomAD no frequency). This sequence change replaces leucine, which is neutral and non-polar, with phenylalanine, which is neutral and non-polar, at codon 10 of the ARL6 protein (p.Leu10Phe).